The following is an entry in ClinVar:

NM_025179.4(PLXNA2):c.2993+1G>C

Gene: PLXNA2 (plexin A2; minus strand). Cytogenetic location: 1q32.2.
Variant type: single nucleotide variant.
Coding change: c.2993+1G>C on transcript NM_025179.4 (MANE Select); the canonical splice donor site of the intron after coding-DNA position 2993, G replaced by C.
Molecular consequence: splice donor variant.
Genome position (GRCh38, 1-based): chr1:208,052,326, C>G on the plus strand (G>C on the coding strand, the complement: PLXNA2 is on the minus strand). VCF-style: chr1-208052326-C-G. GRCh37 (hg19) VCF-style: chr1-208225671-C-G.
Identifiers: ClinVar variation 1514875 (VCV001514875.8), dbSNP rs2102336437, ClinGen allele CA344565218.
Genomic context (GRCh38, chr1:208,052,326, plus strand): 5'-CATGTGAACAGCACATGTCCCAGATGTGCAGTCTTCTGGTGGCCCTTCAAGTTTATCTCA[C>G]CCGTAGAACTCGCAGGTCTGGTTGCCCAGGTAGACTGCCACGCTGCTCCCAGCCCCAAGG-3'

ClinVar aggregate classification (germline): Uncertain significance (1 of 4 stars; one submission).

Submission:

Labcorp Genetics (formerly Invitae), Labcorp
Classification: Uncertain significance. Last evaluated: 2024-10-16. Review status: criteria provided, single submitter. Criteria: Invitae Variant Classification Sherloc (09022015). Collection method: clinical testing. Allele origin: germline.
Comment: This sequence change affects a donor splice site in intron 15 of the PLXNA2 gene. It is expected to disrupt RNA splicing. Variants that disrupt the donor or acceptor splice site typically lead to a loss of protein function (PMID: 16199547), however the current clinical and genetic evidence is not sufficient to establish whether loss-of-function variants in PLXNA2 cause disease. This variant is not present in population databases (gnomAD no frequency). This variant has not been reported in the literature in individuals affected with PLXNA2-related conditions. ClinVar contains an entry for this variant (Variation ID: 1514875). Algorithms developed to predict the effect of sequence changes on RNA splicing suggest that this variant may disrupt the consensus splice site. In summary, the available evidence is currently insufficient to determine the role of this variant in disease. Therefore, it has been classified as a Variant of Uncertain Significance.

Literature cited by the submitters: PubMed 16199547.